The following is an entry in ClinVar:

ClinVar aggregate classification (germline): Uncertain significance. Review status: criteria provided, multiple submitters, no conflicts (2 of 4 stars). 3 submissions from 3 submitters: Uncertain significance (3). Last evaluated 2026-01-29.

Conditions:
Inborn genetic diseases. Identifiers: MedGen C0950123, MeSH D030342.

gnomAD v4.1: 3 of 1,613,646 alleles (0.00019%); highest among the groups gnomAD compares: African/African-American, 0.0013%; no homozygotes.

Submissions (3):

GeneDx
Classification: Uncertain significance. Last evaluated: 2026-01-29. Review status: criteria provided, single submitter. Criteria: GeneDx Variant Classification Process June 2021. Collection method: clinical testing. Allele origin: germline.
Comment: Not observed at significant frequency in large population cohorts (gnomAD); In silico analysis suggests that this missense variant does not alter protein structure/function; Has not been previously published as pathogenic or benign to our knowledge

Ambry Genetics
Classification: Uncertain significance for Inborn genetic diseases. Last evaluated: 2025-11-19. Review status: criteria provided, single submitter. Criteria: Ambry Variant Classification Scheme 2023. Collection method: clinical testing. Allele origin: germline.

Labcorp Genetics (formerly Invitae), Labcorp
Classification: Uncertain significance. Last evaluated: 2024-03-04. Review status: criteria provided, single submitter. Criteria: Invitae Variant Classification Sherloc (09022015). Collection method: clinical testing. Allele origin: germline.
Comment: This sequence change replaces phenylalanine, which is neutral and non-polar, with valine, which is neutral and non-polar, at codon 249 of the USH2A protein (p.Phe249Val). This variant is not present in population databases (gnomAD no frequency). This variant has not been reported in the literature in individuals affected with USH2A-related conditions. ClinVar contains an entry for this variant (Variation ID: 2072320). Advanced modeling of protein sequence and biophysical properties (such as structural, functional, and spatial information, amino acid conservation, physicochemical variation, residue mobility, and thermodynamic stability) performed at Invitae indicates that this missense variant is not expected to disrupt USH2A protein function with a negative predictive value of 95%. In summary, the available evidence is currently insufficient to determine the role of this variant in disease. Therefore, it has been classified as a Variant of Uncertain Significance.

NM_206933.4(USH2A):c.745T>G (p.Phe249Val)

Gene: USH2A (usherin; minus strand). Cytogenetic location: 1q41.
Variant type: single nucleotide variant.
Coding change: c.745T>G on transcript NM_206933.4 (MANE Select); coding-DNA position 745, T replaced by G.
Protein change: p.Phe249Val; replaces phenylalanine 249 with valine.
Molecular consequence: missense variant.
Genome position (GRCh38, 1-based): chr1:216,364,992, A>C on the plus strand (T>G on the coding strand, the complement: USH2A is on the minus strand). VCF-style: chr1-216364992-A-C. GRCh37 (hg19) VCF-style: chr1-216538334-A-C.
Other names: c.745T>G, p.Phe249Val (NM_007123.6); c.745T>G (NM_206933.2); short protein forms F249V.
Identifiers: ClinVar variation 2072320 (VCV002072320.5), dbSNP rs948035162, ClinGen allele CA37905121.
Genomic context (GRCh38, chr1:216,364,992, plus strand): 5'-ATTCTGAAGTCAGAAACTTACCATTTAAACTCTGTCCTATTTGCACAGTACCAGATGCAA[A>C]ATCTGTAATTGAACCACTTAGAGTTCTTGCATTGAAAGGTGTATGATCCTTCTCCACGCC-3'
Protein context (NP_996816.3, residues 239-259): ARTLSGSITD[Phe249Val]ASGTVQIGQS